The following is an entry in ClinVar:

ClinVar aggregate classification (germline): Uncertain significance (1 of 4 stars; one submission).

Allele frequency attached by ClinVar (database versions not stated): gnomAD exomes below 0.00001; TOPMed below 0.00001.
gnomAD v4.1: 2 of 1,614,132 alleles (0.00012%); highest among the groups gnomAD compares: Admixed American, 0.0017%; no homozygotes.

Submission:

Ambry Genetics
Classification: Uncertain significance. Last evaluated: 2023-10-29. Review status: criteria provided, single submitter. Criteria: Ambry Variant Classification Scheme 2023. Collection method: clinical testing. Allele origin: germline.
Comment: The p.Y355C variant (also known as c.1064A>G), located in coding exon 8 of the PDLIM3 gene, results from an A to G substitution at nucleotide position 1064. The tyrosine at codon 355 is replaced by cysteine, an amino acid with highly dissimilar properties. This amino acid position is conserved. In addition, the in silico prediction for this alteration is inconclusive. Since supporting evidence is limited at this time, the clinical significance of this alteration remains unclear.

NM_014476.6(PDLIM3):c.1064A>G (p.Tyr355Cys)

Gene: PDLIM3 (PDZ and LIM domain 3; minus strand). Cytogenetic location: 4q35.1.
Variant type: single nucleotide variant.
Coding change: c.1064A>G on transcript NM_014476.6 (MANE Select); coding-DNA position 1064, A replaced by G.
Protein change: p.Tyr355Cys; replaces tyrosine 355 with cysteine.
Molecular consequence: missense variant. On other transcripts: non-coding transcript variant (1).
Genome position (GRCh38, 1-based): chr4:185,502,325, T>C on the plus strand (A>G on the coding strand, the complement: PDLIM3 is on the minus strand). VCF-style: chr4-185502325-T-C. GRCh37 (hg19) VCF-style: chr4-186423479-T-C.
Other names: c.920A>G, p.Tyr307Cys (NM_001114107.5); c.800A>G, p.Tyr267Cys (NM_001257962.2); c.563A>G, p.Tyr188Cys (NM_001257963.2); short protein forms Y188C, Y267C, Y307C, Y355C.
Identifiers: ClinVar variation 3226315 (VCV003226315.1), dbSNP rs894305827, ClinGen allele CA112040381.
Genomic context (GRCh38, chr4:185,502,325, plus strand): 5'-GCGTGCGTGCGTGCCACGCCTGCAGAGACTTAAGCTTTGGGATACAGAGTGACCGTGTCA[T>C]AGCCCTCTGGGGGCTTTGTGCGGGCTCTTGCGTGGGTTTCGCAGTACAGCTCCCCTTCTA-3'
Protein context (NP_055291.2, residues 345-364): ARARTKPPEG[Tyr355Cys]DTVTLYPKA